The following is an entry in ClinVar:

ClinVar aggregate classification (germline): Uncertain significance. Review status: criteria provided, multiple submitters, no conflicts (2 of 4 stars). 2 submissions from 2 submitters: Uncertain significance (2). Last evaluated 2024-03-16.

Allele frequency attached by ClinVar (database versions not stated): TOPMed 0.00002; gnomAD 0.00003; ESP Exome Variant Server 0.00008.
gnomAD v4.1: 36 of 1,598,370 alleles (0.0023%); highest among the groups gnomAD compares: East Asian, 0.02%; no homozygotes.

Submissions (2):

Labcorp Genetics (formerly Invitae), Labcorp
Classification: Uncertain significance. Last evaluated: 2024-03-16. Review status: criteria provided, single submitter. Criteria: Invitae Variant Classification Sherloc (09022015). Collection method: clinical testing. Allele origin: germline.
Comment: This sequence change replaces arginine, which is basic and polar, with tryptophan, which is neutral and slightly polar, at codon 1685 of the MYH14 protein (p.Arg1685Trp). This variant is present in population databases (rs372062358, gnomAD 0.02%). This missense change has been observed in individual(s) with deafness (PMID: 28000701). This variant is also known as c.5176C>T (p.(Arg1726Trp)) . ClinVar contains an entry for this variant (Variation ID: 450995). Advanced modeling of protein sequence and biophysical properties (such as structural, functional, and spatial information, amino acid conservation, physicochemical variation, residue mobility, and thermodynamic stability) performed at Invitae indicates that this missense variant is expected to disrupt MYH14 protein function with a positive predictive value of 80%. In summary, the available evidence is currently insufficient to determine the role of this variant in disease. Therefore, it has been classified as a Variant of Uncertain Significance.

GeneDx
Classification: Uncertain significance. Last evaluated: 2023-08-22. Review status: criteria provided, single submitter. Criteria: GeneDx Variant Classification Process June 2021. Collection method: clinical testing. Allele origin: germline. Affected: yes.
Comment: Reported in a patient with congenital bilateral hearing impairment in published literature (Zazo Seco et al., 2017); In silico analysis supports that this missense variant has a deleterious effect on protein structure/function; This variant is associated with the following publications: (PMID: 34426522, 34681017, 28000701)

Literature cited by the submitters: PubMed 28000701 (cited by Labcorp Genetics (formerly Invitae), Labcorp).

NM_001145809.2(MYH14):c.5176C>T (p.Arg1726Trp)

Gene: MYH14 (myosin heavy chain 14; plus strand). Cytogenetic location: 19q13.33.
Variant type: single nucleotide variant.
Coding change: c.5176C>T on transcript NM_001145809.2 (MANE Select); coding-DNA position 5176, C replaced by T.
Protein change: p.Arg1726Trp; replaces arginine 1726 with tryptophan.
Molecular consequence: missense variant.
Genome position (GRCh38, 1-based): chr19:50,292,309, C>T. VCF-style: chr19-50292309-C-T. GRCh37 (hg19) VCF-style: chr19-50795566-C-T.
Other names: c.5077C>T, p.Arg1693Trp (NM_001077186.2); c.5053C>T, p.Arg1685Trp (NM_024729.4); short protein forms R1685W, R1726W, R1693W.
Identifiers: ClinVar variation 450995 (VCV000450995.6), dbSNP rs372062358, ClinGen allele CA9593715.